The following is an entry in ClinVar:

ClinVar aggregate classification (germline): Uncertain significance. Review status: criteria provided, multiple submitters, no conflicts (2 of 4 stars). 8 submissions from 8 submitters: Uncertain significance (8). Last evaluated 2026-09-01.

Conditions:
Familial thoracic aortic aneurysm and aortic dissection (TAAD). Also called: Thoracic aortic aneurysms and dissections. Identifiers: Orphanet 91387, MedGen C4707243, MONDO:0019625.
Aortic aneurysm, familial thoracic 4 (AAT4). Also called: AORTIC ANEURYSM/AORTIC DISSECTION AND PATENT DUCTUS ARTERIOSUS. Identifiers: MedGen C1851504, MONDO:0007568, OMIM 132900.
Megacystis-microcolon-intestinal hypoperistalsis syndrome 2. Identifiers: MedGen C5543476, MONDO:0025708, OMIM 619351.
Visceral myopathy 2. Identifiers: MedGen C5543466, MONDO:0859157, OMIM 619350.

Allele frequency attached by ClinVar (database versions not stated): TOPMed 0.00002; gnomAD 0.00013.
gnomAD v4.1: 91 of 1,614,062 alleles (0.0056%); highest among the groups gnomAD compares: Non-Finnish European, 0.0069%; no homozygotes.

Submissions (8):

CeGaT Center for Human Genetics Tuebingen
Classification: Uncertain significance. Last evaluated: 2026-09-01. Review status: criteria provided, single submitter. Criteria: CeGaT Center For Human Genetics Tuebingen Variant Classification Criteria Version 2. Collection method: clinical testing. Allele origin: germline. Affected: yes. Observed: 1 variant allele.
Comment: MYH11: PM2

Labcorp Genetics (formerly Invitae), Labcorp
Classification: Uncertain significance for Aortic aneurysm, familial thoracic 4. Last evaluated: 2026-01-04. Review status: criteria provided, single submitter. Criteria: Invitae Variant Classification Sherloc (09022015). Collection method: clinical testing. Allele origin: germline.
Comment: This sequence change replaces arginine, which is basic and polar, with leucine, which is neutral and non-polar, at codon 1672 of the MYH11 protein (p.Arg1672Leu). This variant is present in population databases (rs144813247, gnomAD 0.007%). This missense change has been observed in individual(s) with clinical features of thoracic aortic aneurysm and dissection (internal data). ClinVar contains an entry for this variant (Variation ID: 201081). Invitae Evidence Modeling of protein sequence and biophysical properties (such as structural, functional, and spatial information, amino acid conservation, physicochemical variation, residue mobility, and thermodynamic stability) indicates that this missense variant is not expected to disrupt MYH11 protein function with a negative predictive value of 95%. In summary, the available evidence is currently insufficient to determine the role of this variant in disease. Therefore, it has been classified as a Variant of Uncertain Significance.

Ambry Genetics
Classification: Uncertain significance for Familial thoracic aortic aneurysm and aortic dissection. Last evaluated: 2024-08-21. Review status: criteria provided, single submitter. Criteria: Ambry Variant Classification Scheme 2023. Collection method: clinical testing. Allele origin: germline.
Comment: The p.R1665L variant (also known as c.4994G>T), located in coding exon 34 of the MYH11 gene, results from a G to T substitution at nucleotide position 4994. The arginine at codon 1665 is replaced by leucine, an amino acid with dissimilar properties. This amino acid position is well conserved in available vertebrate species. In addition, the in silico prediction for this alteration is inconclusive. Based on the available evidence, the clinical significance of this variant remains unclear.

GeneDx
Classification: Uncertain significance. Last evaluated: 2024-05-21. Review status: criteria provided, single submitter. Criteria: GeneDx Variant Classification Process June 2021. Collection method: clinical testing. Allele origin: germline. Affected: yes.
Comment: Has not been previously published as pathogenic or benign to our knowledge; In silico analysis supports that this missense variant has a deleterious effect on protein structure/function

Color Diagnostics, LLC DBA Color Health
Classification: Uncertain significance for Familial thoracic aortic aneurysm and aortic dissection. Last evaluated: 2024-03-06. Review status: criteria provided, single submitter. Criteria: ACMG Guidelines, 2015. Collection method: clinical testing. Allele origin: germline.
Comment: This missense variant replaces arginine with leucine at codon 1672 of the MYH11 protein. Computational prediction is inconclusive regarding the impact of this variant on protein structure and function (internally defined REVEL score threshold 0.5 < inconclusive < 0.7, PMID: 27666373). To our knowledge, functional studies have not been reported for this variant. This variant has not been reported in individuals affected with cardiovascular disorders in the literature. This variant has been identified in 9/282884 chromosomes in the general population by the Genome Aggregation Database (gnomAD). The available evidence is insufficient to determine the role of this variant in disease conclusively. Therefore, this variant is classified as a Variant of Uncertain Significance.

Blueprint Genetics
Classification: Uncertain significance. Last evaluated: 2023-07-27. Review status: criteria provided, single submitter. Criteria: ACMG Guidelines, 2015. Collection method: clinical testing. Allele origin: germline.

Fulgent Genetics
Classification: Uncertain significance for Aortic aneurysm, familial thoracic 4; Visceral myopathy 2; Megacystis-microcolon-intestinal hypoperistalsis syndrome 2. Last evaluated: 2021-10-11. Review status: criteria provided, single submitter. Criteria: ACMG Guidelines, 2015. Collection method: clinical testing. Allele origin: unknown.

Stanford Center for Inherited Cardiovascular Disease, Stanford University
Classification: Uncertain significance. Last evaluated: 2016-12-29. Review status: criteria provided, single submitter. Criteria: ACMG Guidelines, 2015. Collection method: provider interpretation. Allele origin: germline.

NM_002474.3(MYH11):c.4994G>T (p.Arg1665Leu)

Genes: MYH11 (myosin heavy chain 11; minus strand), NDE1 (nudE neurodevelopment protein 1; plus strand). Cytogenetic location: 16p13.11.
Variant type: single nucleotide variant.
Coding change: c.4994G>T on transcript NM_002474.3 (MANE Select); coding-DNA position 4994, G replaced by T.
Protein change: p.Arg1665Leu; replaces arginine 1665 with leucine.
Molecular consequence: missense variant. On other transcripts: intron variant (2).
Genome position (GRCh38, 1-based): chr16:15,719,673, C>A on the plus strand (G>T on the coding strand, the complement: MYH11 is on the minus strand). VCF-style: chr16-15719673-C-A. GRCh37 (hg19) VCF-style: chr16-15813530-C-A.
Other names: p.R1665L:CGT>CTT; c.5015G>T, p.Arg1672Leu (NM_001040113.2, NM_001040114.2); c.4994G>T, p.Arg1665Leu (NM_022844.3); c.948-4518C>A (NM_001143979.2, NM_017668.3); short protein forms R1665L, R1672L.
Identifiers: ClinVar variation 201081 (VCV000201081.27), dbSNP rs144813247, ClinGen allele CA306586.